The following is an entry in ClinVar:

NM_000077.5(CDKN2A):c.276C>A (p.Asp92Glu)

Gene: CDKN2A (cyclin dependent kinase inhibitor 2A; minus strand). Cytogenetic location: 9p21.3.
Variant type: single nucleotide variant.
Coding change: c.276C>A on transcript NM_000077.5; coding-DNA position 276, C replaced by A.
Protein change: p.Asp92Glu; replaces aspartic acid 92 with glutamic acid.
Molecular consequence: missense variant (on NM_000077.6). On other transcripts: 3 prime UTR variant (1).
Genome position (GRCh38, 1-based): chr9:21,971,083, G>T on the plus strand (C>A on the coding strand, the complement: CDKN2A is on the minus strand). VCF-style: chr9-21971083-G-T. GRCh37 (hg19) VCF-style: chr9-21971082-G-T.
Other names: c.276C>A, p.Asp92Glu (NM_000077.6, NM_001195132.2); c.123C>A, p.Asp41Glu (NM_001363763.2); c.319C>A, p.His107Asn (NM_058195.4); c.*199C>A (NM_058197.5); short protein forms D92E, H107N, D41E.
Identifiers: ClinVar variation 645261 (VCV000645261.16), dbSNP rs1587331567, ClinGen allele CA373086168.

ClinVar aggregate classification (germline): Uncertain significance. Review status: criteria provided, multiple submitters, no conflicts (2 of 4 stars). 4 submissions from 4 submitters: Uncertain significance (4). Last evaluated 2026-01-18.

Conditions:
Hereditary cancer-predisposing syndrome. Also called: Tumor predisposition; Neoplastic Syndromes, Hereditary; Hereditary Cancer Syndrome; Hereditary neoplastic syndrome. Identifiers: Orphanet 140162, MedGen C0027672, MeSH D009386, MONDO:0015356.
Familial melanoma. Also called: Hereditary melanoma; Hereditary cutaneous melanoma. Identifiers: Orphanet 618, MedGen C1512419, MONDO:0018961.

Allele frequency attached by ClinVar (database versions not stated): gnomAD exomes below 0.00001.
gnomAD v4.1: 2 of 1,605,418 alleles (0.00012%); highest among the groups gnomAD compares: Non-Finnish European, 0.00017%; no homozygotes.

Submissions (4):

Labcorp Genetics (formerly Invitae), Labcorp
Classification: Uncertain significance for Familial melanoma. Last evaluated: 2026-01-18. Review status: criteria provided, single submitter. Criteria: Invitae Variant Classification Sherloc (09022015). Collection method: clinical testing. Allele origin: germline.
Comment: The CDKN2A gene encodes two different proteins, p16INK4a and p14ARF, which are translated from alternative transcripts with different open reading frames. Both transcripts have been analyzed. We report either the variant with the higher classification or default to the CDKN2A (p16INK4a) variant. This report therefore includes the details for the CDKN2A (p16INK4a) variant. This sequence change replaces aspartic acid, which is acidic and polar, with glutamic acid, which is acidic and polar, at codon 92 of the CDKN2A (p16INK4a) protein (p.Asp92Glu). This variant is not present in population databases (gnomAD no frequency). This variant has not been reported in the literature in individuals affected with CDKN2A (p16INK4a)-related conditions. This variant is also known as c.319C>A (p.His107Asn) in the CDKN2A (p14ARF) transcript. ClinVar contains an entry for this variant (Variation ID: 645261). An algorithm developed to predict the effect of missense changes on protein structure and function outputs the following: PolyPhen-2: "Benign". The glutamic acid amino acid residue is found in multiple mammalian species, which suggests that this missense change does not adversely affect protein function. In summary, the available evidence is currently insufficient to determine the role of this variant in disease. Therefore, it has been classified as a Variant of Uncertain Significance.

Ambry Genetics
Classification: Uncertain significance for Hereditary cancer-predisposing syndrome. Last evaluated: 2025-07-15. Review status: criteria provided, single submitter. Criteria: Ambry Variant Classification Scheme 2023. Collection method: clinical testing. Allele origin: germline.
Comment: The p.D92E variant (also known as c.276C>A), located in coding exon 2 of the CDKN2A gene, results from a C to A substitution at nucleotide position 276. The aspartic acid at codon 92 is replaced by glutamic acid, an amino acid with highly similar properties. Of note, this variant is also known as c.319C>A (p.H107N) in the p14(ARF) isoform. This amino acid position is well conserved in available vertebrate species. In addition, the in silico prediction for this alteration is inconclusive. Based on the available evidence, the clinical significance of this variant remains unclear.

Color Diagnostics, LLC DBA Color Health
Classification: Uncertain significance for Hereditary cancer-predisposing syndrome. Last evaluated: 2024-09-17. Review status: criteria provided, single submitter. Criteria: ACMG Guidelines, 2015. Collection method: clinical testing. Allele origin: germline.
Comment: The CDKN2A locus encodes two different gene products, p16INK4a and p14ARF. This missense variant replaces histidine with asparagine at codon 107 of the CDKN2A (p16INK4A) protein. Computational prediction is inconclusive regarding the impact of this variant on protein structure and function (internally defined REVEL score threshold 0.5 < inconclusive < 0.7, PMID: 27666373). To our knowledge, functional studies have not been reported for this variant. This variant has not been reported in individuals affected with CDKN2A-related disorders in the literature. This variant has not been identified in the general population by the Genome Aggregation Database (gnomAD). The available evidence is insufficient to determine the role of this variant in disease conclusively. Therefore, this variant is classified as a Variant of Uncertain Significance.

GeneDx
Classification: Uncertain significance. Last evaluated: 2020-02-20. Review status: criteria provided, single submitter. Criteria: GeneDx Variant Classification Process June 2021. Collection method: clinical testing. Allele origin: germline. Affected: yes.
Comment: Not observed in large population cohorts (Lek 2016); In silico analysis supports that this missense variant has a deleterious effect on protein structure/function; Has not been previously published as pathogenic or benign to our knowledge